The following is an entry in ClinVar:

NM_004646.4(NPHS1):c.2991del (p.Phe998fs)

Gene: NPHS1 (NPHS1 adhesion molecule, nephrin; minus strand). Cytogenetic location: 19q13.12.
Variant type: Deletion.
Coding change: c.2991del on transcript NM_004646.4 (MANE Select); coding-DNA position 2991, one base deleted (C; older notation c.2991delC).
Protein change: p.Phe998fs; shifts the reading frame from phenylalanine 998.
Molecular consequence: frameshift variant.
Genome position (GRCh38, 1-based): chr19:35,839,355, G deleted on the plus strand (C on the coding strand, the reverse complement: NPHS1 is on the minus strand); the first of 2 consecutive G bases (chr19:35,839,355-35,839,356); deleting either gives the same sequence. VCF-style (leftmost placement, unchanged base first): chr19-35839354-AG-A. GRCh37 (hg19) VCF-style: chr19-36330256-AG-A.
Other names: short protein forms F998fs.
Identifiers: ClinVar variation 2035486 (VCV002035486.4), dbSNP rs2513765812, ClinGen allele CA2580096832.

ClinVar aggregate classification (germline): Pathogenic (1 of 4 stars; one submission).

Submission:

Labcorp Genetics (formerly Invitae), Labcorp
Classification: Pathogenic. Last evaluated: 2022-10-14. Review status: criteria provided, single submitter. Criteria: Invitae Variant Classification Sherloc (09022015). Collection method: clinical testing. Allele origin: germline.
Comment: This sequence change creates a premature translational stop signal (p.Phe998Serfs*3) in the NPHS1 gene. It is expected to result in an absent or disrupted protein product. Loss-of-function variants in NPHS1 are known to be pathogenic (PMID: 11317351, 11854170, 12039988). For these reasons, this variant has been classified as Pathogenic. This variant has not been reported in the literature in individuals affected with NPHS1-related conditions. This variant is not present in population databases (gnomAD no frequency).

Literature cited by the submitters: PubMed 11317351; PubMed 11854170; PubMed 12039988.